The following is an entry in ClinVar:

NM_014112.5(TRPS1):c.1875C>G (p.Val625=)

Gene: TRPS1 (transcriptional repressor GATA binding 1; minus strand). Cytogenetic location: 8q23.3.
Variant type: single nucleotide variant.
Coding change: c.1875C>G on transcript NM_014112.5 (MANE Select); coding-DNA position 1875, C replaced by G.
Protein change: p.Val625=; no amino-acid change (valine 625 retained).
Molecular consequence: synonymous variant.
Genome position (GRCh38, 1-based): chr8:115,604,094, G>C on the plus strand (C>G on the coding strand, the complement: TRPS1 is on the minus strand). VCF-style: chr8-115604094-G-C. GRCh37 (hg19) VCF-style: chr8-116616321-G-C.
Other names: c.1848C>G, p.Val616= (NM_001282902.3); c.1854C>G, p.Val618= (NM_001282903.3); c.1836C>G, p.Val612= (NM_001330599.2).
Identifiers: ClinVar variation 3033439 (VCV003033439.2), dbSNP rs752692840, ClinGen allele CA462659120.

ClinVar aggregate classification (germline): Likely benign (0 of 4 stars; one submission).

Conditions:
TRPS1-related disorder. Also called: TRPS1-related condition.

gnomAD v4.1: 3 of 1,614,070 alleles (0.00019%); highest among the groups gnomAD compares: East Asian, 0.0067%; no homozygotes.

Submission:

PreventionGenetics, part of Exact Sciences
Classification: Likely benign for TRPS1-related condition. Last evaluated: 2019-06-06. Review status: no assertion criteria provided. Collection method: clinical testing. Allele origin: germline.
Comment: This variant is classified as likely benign based on ACMG/AMP sequence variant interpretation guidelines (Richards et al. 2015 PMID: 25741868, with internal and published modifications).